The following is an entry in ClinVar:

NM_000455.5(STK11):c.763T>G (p.Phe255Val)

Gene: STK11 (serine/threonine kinase 11; plus strand). Cytogenetic location: 19p13.3.
Variant type: single nucleotide variant.
Coding change: c.763T>G on transcript NM_000455.5 (MANE Select); coding-DNA position 763, T replaced by G.
Protein change: p.Phe255Val; replaces phenylalanine 255 with valine.
Molecular consequence: missense variant.
Genome position (GRCh38, 1-based): chr19:1,221,241, T>G. VCF-style: chr19-1221241-T-G. GRCh37 (hg19) VCF-style: chr19-1221240-T-G.
Other names: short protein forms F255V.
Identifiers: ClinVar variation 827169 (VCV000827169.4), dbSNP rs1599927580, ClinGen allele CA402950405.

ClinVar aggregate classification (germline): Uncertain significance (1 of 4 stars; one submission).

Conditions:
Hereditary cancer-predisposing syndrome. Also called: Neoplastic Syndromes, Hereditary; Tumor predisposition; Hereditary neoplastic syndrome; Hereditary Cancer Syndrome. Identifiers: Orphanet 140162, MedGen C0027672, MeSH D009386, MONDO:0015356.

Submission:

Ambry Genetics
Classification: Uncertain significance for Hereditary cancer-predisposing syndrome. Last evaluated: 2019-09-28. Review status: criteria provided, single submitter. Criteria: Ambry Variant Classification Scheme 2023. Collection method: clinical testing. Allele origin: germline.
Comment: The p.F255V variant (also known as c.763T>G), located in coding exon 6 of the STK11 gene, results from a T to G substitution at nucleotide position 763. The phenylalanine at codon 255 is replaced by valine, an amino acid with highly similar properties. This amino acid position is highly conserved in available vertebrate species. In addition, this alteration is predicted to be deleterious by in silico analysis. Since supporting evidence is limited at this time, the clinical significance of this alteration remains unclear.